The following is an entry in ClinVar:

NM_001277308.1(GOLGA8O):c.1311G>A (p.Glu437=)

Gene: GOLGA8O (golgin A8 family member O; minus strand). Cytogenetic location: 15q13.3.
Variant type: single nucleotide variant.
Coding change: c.1311G>A on transcript NM_001277308.1 (MANE Select); coding-DNA position 1311, G replaced by A.
Protein change: p.Glu437=; no amino-acid change (glutamic acid 437 retained).
Molecular consequence: synonymous variant.
Genome position (GRCh38, 1-based): chr15:32,446,531, C>T on the plus strand (G>A on the coding strand, the complement: GOLGA8O is on the minus strand). VCF-style: chr15-32446531-C-T. GRCh37 (hg19) VCF-style: chr15-32738732-C-T.
Identifiers: ClinVar variation 2645125 (VCV002645125.24), dbSNP rs772846509, ClinGen allele CA7454907.

ClinVar aggregate classification (germline): Likely benign (1 of 4 stars; one submission).

Allele frequency attached by ClinVar (database versions not stated): ExAC 0.00262.

Submission:

CeGaT Center for Human Genetics Tuebingen
Classification: Likely benign. Last evaluated: 2023-01-01. Review status: criteria provided, single submitter. Criteria: CeGaT Center For Human Genetics Tuebingen Variant Classification Criteria Version 2. Collection method: clinical testing. Allele origin: germline. Affected: yes. Observed: 1 variant allele.
Comment: GOLGA8O: BP4, BP7